The following is an entry in ClinVar:

NM_000085.5(CLCNKB):c.1929G>A (p.Glu643=)

Genes: CLCNKB (chloride voltage-gated channel Kb; plus strand), LOC106501713 (CLCNKB recombination region; plus strand). Cytogenetic location: 1p36.13.
Variant type: single nucleotide variant.
Coding change: c.1929G>A on transcript NM_000085.5 (MANE Select); coding-DNA position 1929, G replaced by A.
Protein change: p.Glu643=; no amino-acid change (glutamic acid 643 retained).
Molecular consequence: synonymous variant.
Genome position (GRCh38, 1-based): chr1:16,055,758, G>A. VCF-style: chr1-16055758-G-A. GRCh37 (hg19) VCF-style: chr1-16382253-G-A.
Other names: c.1419G>A, p.Glu473= (NM_001165945.2).
Identifiers: ClinVar variation 4688397 (VCV004688397.1).

ClinVar aggregate classification (germline): Uncertain significance (1 of 4 stars; one submission).

Submission:

Women's Health and Genetics/Laboratory Corporation of America, LabCorp
Classification: Uncertain significance. Last evaluated: 2025-12-10. Review status: criteria provided, single submitter. Criteria: LabCorp Variant Classification Summary - May 2015. Collection method: clinical testing. Allele origin: germline.
Comment: Variant summary: CLCNKB c.1929G>A (p.Glu643Glu) alters a conserved nucleotide located close to a canonical splice site and therefore could affect mRNA splicing, leading to a significantly altered protein sequence. Several computational tools predict a significant impact on normal splicing: two predict the variant abolishes the 5' splicing donor site, while two predict the variant weakens the 5' donor site. However, these predictions have yet to be confirmed by functional studies. The variant allele was found at a frequency of 6.2e-07 in 1606636 control chromosomes (gnomAD). The available data on variant occurrences in the general population are insufficient to allow any conclusion about variant significance. To our knowledge, no occurrence of c.1929G>A in individuals affected with CLCNKB-related conditions and no experimental evidence demonstrating its impact on protein function have been reported. A different variant affecting the same splice-site (c.1929+1G>A) has been reported in affected individual(s) (HGMD), however, this doesn't allow clear conclusions about the effect of this variant. No submitters have cited clinical-significance assessments for this variant to ClinVar. Based on the evidence outlined above, the variant was classified as uncertain significance.